The following is an entry in ClinVar:

NM_001953.5(TYMP):c.177C>T (p.Ala59=)

Gene: TYMP (thymidine phosphorylase; minus strand). Cytogenetic location: 22q13.33.
Variant type: single nucleotide variant.
Coding change: c.177C>T on transcript NM_001953.5 (MANE Select); coding-DNA position 177, C replaced by T.
Protein change: p.Ala59=; no amino-acid change (alanine 59 retained).
Molecular consequence: synonymous variant.
Genome position (GRCh38, 1-based): chr22:50,529,533, G>A on the plus strand (C>T on the coding strand, the complement: TYMP is on the minus strand). VCF-style: chr22-50529533-G-A. GRCh37 (hg19) VCF-style: chr22-50967962-G-A.
Other names: c.177C>T, p.Ala59= (NM_001113755.3, NM_001113756.3, NM_001257988.1 and 1 more transcripts).
Identifiers: ClinVar variation 751220 (VCV000751220.29), dbSNP rs137930991, ClinGen allele CA10321863.

ClinVar aggregate classification (germline): Likely benign. Review status: criteria provided, multiple submitters, no conflicts (2 of 4 stars). 4 submissions from 4 submitters: Likely benign (3). 1 of the submissions does not count toward it. Last evaluated 2025-12-29.

Conditions:
Mitochondrial neurogastrointestinal encephalomyopathy. Also called: Mitochondrial neurogastrointestinal encephalopathy syndrome; MNGIE syndrome; Thymidine phosphorylase deficiency. Identifiers: Orphanet 298, MedGen C0872218, MONDO:0017575.

Allele frequency attached by ClinVar (database versions not stated): gnomAD exomes 0.00002; ExAC 0.00003; gnomAD 0.00003 and 0.00004; TOPMed 0.00006; ESP Exome Variant Server 0.00015.

Submissions (4):

Labcorp Genetics (formerly Invitae), Labcorp
Classification: Likely benign. Last evaluated: 2025-12-29. Review status: criteria provided, single submitter. Criteria: Invitae Variant Classification Sherloc (09022015). Collection method: clinical testing. Allele origin: germline.

CeGaT Center for Human Genetics Tuebingen
Classification: Likely benign. Last evaluated: 2024-10-01. Review status: criteria provided, single submitter. Criteria: CeGaT Center For Human Genetics Tuebingen Variant Classification Criteria Version 2. Collection method: clinical testing. Allele origin: germline. Affected: yes. Observed: 1 variant allele.
Comment: TYMP: BP4, BP7

GeneDx
Classification: Likely benign. Last evaluated: 2019-11-01. Review status: criteria provided, single submitter. Criteria: GeneDx Variant Classification Process June 2021. Collection method: clinical testing. Allele origin: germline. Affected: yes.

Natera, Inc.
Classification: Likely benign for Mitochondrial neurogastrointestinal encephalomyopathy. Last evaluated: 2021-06-12. Review status: no assertion criteria provided. Collection method: clinical testing. Allele origin: germline. Not counted in ClinVar's aggregate classification.